The following is an entry in ClinVar:

ClinVar aggregate classification (germline): Pathogenic (1 of 4 stars; one submission).

Conditions:
Marfan syndrome (MFS). Also called: MARFAN SYNDROME, TYPE I; Marfan syndrome type 1; Marfan's syndrome; Marfan syndrome, classic; FBN1-Related Marfan Syndrome. Identifiers: Orphanet 284963, Orphanet 558, MedGen C0024796, MONDO:0007947, OMIM 154700.
Familial thoracic aortic aneurysm and aortic dissection (TAAD). Also called: Thoracic aortic aneurysms and dissections. Identifiers: Orphanet 91387, MedGen C4707243, MONDO:0019625.

Submission:

Labcorp Genetics (formerly Invitae), Labcorp
Classification: Pathogenic for Marfan syndrome; Familial thoracic aortic aneurysm and aortic dissection. Last evaluated: 2024-03-20. Review status: criteria provided, single submitter. Criteria: Invitae Variant Classification Sherloc (09022015). Collection method: clinical testing. Allele origin: germline.
Comment: This sequence change creates a premature translational stop signal (p.Gly721Valfs*3) in the FBN1 gene. It is expected to result in an absent or disrupted protein product. Loss-of-function variants in FBN1 are known to be pathogenic (PMID: 17657824, 19293843). This variant is not present in population databases (gnomAD no frequency). This variant has not been reported in the literature in individuals affected with FBN1-related conditions. For these reasons, this variant has been classified as Pathogenic.

Literature cited by the submitters: PubMed 17657824; PubMed 19293843.

NM_000138.5(FBN1):c.2162_2165del (p.Gly721fs)

Gene: FBN1 (fibrillin 1; minus strand). Cytogenetic location: 15q21.1.
Variant type: Microsatellite.
Coding change: c.2162_2165del on transcript NM_000138.5 (MANE Select); coding-DNA positions 2162 to 2165, 4 bases deleted (GCAG; older notation c.2162_2165delGCAG).
Protein change: p.Gly721fs; shifts the reading frame from glycine 721.
Molecular consequence: frameshift variant.
Genome position (GRCh38, 1-based): chr15:48,498,987-48,498,990, CTGC deleted on the plus strand (GCAG on the coding strand, the reverse complement: FBN1 is on the minus strand); deleting any 4 consecutive bases within chr15:48,498,987-48,498,994 gives the same sequence; the c. name uses the placement nearest the transcript's 3' end. VCF-style (leftmost placement, unchanged base first): chr15-48498986-ACTGC-A. GRCh37 (hg19) VCF-style: chr15-48791183-ACTGC-A.
Other names: c.2162_2165del, p.Gly721fs (NM_001406716.1); short protein forms G721fs.
Identifiers: ClinVar variation 3755431 (VCV003755431.2).
Genomic context (GRCh38, chr15:48,498,986, plus strand): 5'-AAAGCCTGATGCTGCCTCTGCACATACTGAAGGTAGTAAATTTTGAAAGGAATCCTTACC[ACTGC>A]CTGCTGACGTCATTCCTGGCCCACTGCTGCAGAGTGCCTGATATTCCGCTGCAATAAATT-3'